The following is an entry in ClinVar:

NM_001135022.2(ELMOD3):c.400G>A (p.Ala134Thr)

Gene: ELMOD3 (ELMO domain containing 3; plus strand). Cytogenetic location: 2p11.2.
Variant type: single nucleotide variant.
Coding change: c.400G>A on transcript NM_001135022.2 (MANE Select); coding-DNA position 400, G replaced by A.
Protein change: p.Ala134Thr; replaces alanine 134 with threonine.
Molecular consequence: missense variant. On other transcripts: non-coding transcript variant (3).
Genome position (GRCh38, 1-based): chr2:85,371,125, G>A. VCF-style: chr2-85371125-G-A. GRCh37 (hg19) VCF-style: chr2-85598248-G-A.
Other names: c.400G>A, p.Ala134Thr (NM_001135021.2, NM_001135023.2, NM_001329791.2 and 3 more transcripts); short protein forms A134T.
Identifiers: ClinVar variation 3636398 (VCV003636398.2).

ClinVar aggregate classification (germline): Uncertain significance (1 of 4 stars; one submission).

gnomAD v4.1: 35 of 1,614,206 alleles (0.0022%); highest among the groups gnomAD compares: Middle Eastern, 0.016%; no homozygotes.

Submission:

Labcorp Genetics (formerly Invitae), Labcorp
Classification: Uncertain significance. Last evaluated: 2024-09-27. Review status: criteria provided, single submitter. Criteria: Invitae Variant Classification Sherloc (09022015). Collection method: clinical testing. Allele origin: germline.
Comment: This sequence change replaces alanine, which is neutral and non-polar, with threonine, which is neutral and polar, at codon 134 of the ELMOD3 protein (p.Ala134Thr). This variant is present in population databases (rs371254266, gnomAD 0.003%). This variant has not been reported in the literature in individuals affected with ELMOD3-related conditions. Invitae Evidence Modeling of protein sequence and biophysical properties (such as structural, functional, and spatial information, amino acid conservation, physicochemical variation, residue mobility, and thermodynamic stability) indicates that this missense variant is not expected to disrupt ELMOD3 protein function with a negative predictive value of 80%. In summary, the available evidence is currently insufficient to determine the role of this variant in disease. Therefore, it has been classified as a Variant of Uncertain Significance.